The following is an entry in ClinVar:

NM_032043.3(BRIP1):c.270C>A (p.Cys90Ter)

Gene: BRIP1 (BRCA1 interacting DNA helicase 1; minus strand). Cytogenetic location: 17q23.2.
Variant type: single nucleotide variant.
Coding change: c.270C>A on transcript NM_032043.3 (MANE Select); coding-DNA position 270, C replaced by A.
Protein change: p.Cys90Ter; replaces cysteine 90 with a stop codon.
Molecular consequence: nonsense.
Genome position (GRCh38, 1-based): chr17:61,857,167, G>T on the plus strand (C>A on the coding strand, the complement: BRIP1 is on the minus strand). VCF-style: chr17-61857167-G-T. GRCh37 (hg19) VCF-style: chr17-59934528-G-T.
Other names: short protein forms C90*.
Identifiers: ClinVar variation 407808 (VCV000407808.12), dbSNP rs1060501740, ClinGen allele CA16615839.

ClinVar aggregate classification (germline): Pathogenic. Review status: criteria provided, multiple submitters, no conflicts (2 of 4 stars). 3 submissions from 3 submitters: Pathogenic (3). Last evaluated 2023-05-30.

Conditions:
Familial cancer of breast. Also called: Hereditary breast cancer; hereditary breast carcinoma; BREAST CANCER, FAMILIAL. Identifiers: Orphanet 227535, MedGen C0346153, MONDO:0016419, OMIM 114480. Disease mechanism: loss of function.
Fanconi anemia complementation group J. Also called: BRIP1-Related Fanconi Anemia. Identifiers: Orphanet 84, MedGen C1836860, MONDO:0012187, OMIM 609054.

Submissions (3):

Myriad Genetics, Inc.
Classification: Pathogenic for Familial cancer of breast. Last evaluated: 2023-05-30. Review status: criteria provided, single submitter. Criteria: Myriad Autosomal Dominant, Autosomal Recessive and X-Linked Classification Criteria (2023). Collection method: clinical testing. Allele origin: unknown.
Comment: This variant is considered pathogenic. This variant creates a termination codon and is predicted to result in premature protein truncation.

Fulgent Genetics
Classification: Pathogenic for Familial cancer of breast; Fanconi anemia complementation group J. Last evaluated: 2018-10-31. Review status: criteria provided, single submitter. Criteria: ACMG Guidelines, 2015. Collection method: clinical testing. Allele origin: unknown.

Labcorp Genetics (formerly Invitae), Labcorp
Classification: Pathogenic for Familial cancer of breast; Fanconi anemia complementation group J. Last evaluated: 2016-06-04. Review status: criteria provided, single submitter. Criteria: Invitae Variant Classification Sherloc (09022015). Collection method: clinical testing. Allele origin: germline.
Comment: For these reasons, this variant has been classified as Pathogenic. While this particular variant has not been reported in the literature, truncating variants in BRIP1 are known to be pathogenic (PMID: 16116423, 17033622, 21964575). This sequence change creates a premature translational stop signal at codon 90 (p.Cys90*) of the BRIP1 gene. It is expected to result in an absent or disrupted protein product.

Literature cited by the submitters: PubMed 16116423 (cited by Labcorp Genetics (formerly Invitae), Labcorp); PubMed 17033622 (cited by Labcorp Genetics (formerly Invitae), Labcorp); PubMed 21964575 (cited by Labcorp Genetics (formerly Invitae), Labcorp).